The following is an entry in ClinVar:

ClinVar aggregate classification (germline): Benign (1 of 4 stars; one submission).

Conditions:
Heterotaxy, visceral, 4, autosomal (HTX4). Identifiers: Orphanet 450, MedGen C3151057, MONDO:0013403, OMIM 613751.

Allele frequency attached by ClinVar (database versions not stated): 1000 Genomes Project 0.02496; gnomAD 0.02643 and 0.02867; 1000 Genomes Project 30x 0.02686; TOPMed 0.03085.

Submission:

Illumina Laboratory Services, Illumina
Classification: Benign for Heterotaxy, visceral, 4, autosomal. Last evaluated: 2018-01-12. Review status: criteria provided, single submitter. Criteria: ICSL Variant Classification Criteria 13 December 2019. Collection method: clinical testing. Allele origin: germline.
Comment: This variant was observed in the ICSL laboratory as part of a predisposition screen in an ostensibly healthy population. It had not been previously curated by ICSL or reported in the Human Gene Mutation Database (HGMD: prior to June 1st, 2018), and was therefore a candidate for classification through an automated scoring system. Utilizing variant allele frequency, disease prevalence and penetrance estimates, and inheritance mode, an automated score was calculated to assess if this variant is too frequent to cause the disease. Based on the score and internal cut-off values, a variant classified as benign is not then subjected to further curation. The score for this variant resulted in a classification of benign for this disease.

NM_001106.4(ACVR2B):c.*3316G>A

Gene: ACVR2B (activin A receptor type 2B; plus strand). Cytogenetic location: 3p22.2.
Variant type: single nucleotide variant.
Coding change: c.*3316G>A on transcript NM_001106.4 (MANE Select); 3316 bases downstream of the stop codon, G replaced by A.
Molecular consequence: 3 prime UTR variant.
Genome position (GRCh38, 1-based): chr3:38,486,648, G>A. VCF-style: chr3-38486648-G-A. GRCh37 (hg19) VCF-style: chr3-38528139-G-A.
Identifiers: ClinVar variation 344977 (VCV000344977.5), dbSNP rs6790964, ClinGen allele CA10618596.